The following is an entry in ClinVar:

NM_000051.4(ATM):c.1487G>A (p.Ser496Asn)

Gene: ATM (ATM serine/threonine kinase; plus strand). Cytogenetic location: 11q22.3.
Variant type: single nucleotide variant.
Coding change: c.1487G>A on transcript NM_000051.4 (MANE Select); coding-DNA position 1487, G replaced by A.
Protein change: p.Ser496Asn; replaces serine 496 with asparagine.
Molecular consequence: missense variant.
Genome position (GRCh38, 1-based): chr11:108,250,952, G>A. VCF-style: chr11-108250952-G-A. GRCh37 (hg19) VCF-style: chr11-108121679-G-A.
Other names: c.1487G>A, p.Ser496Asn (NM_001351834.2); short protein forms S496N.
Identifiers: ClinVar variation 234029 (VCV000234029.21), dbSNP rs778890679, ClinGen allele CA10579012.

ClinVar aggregate classification (germline): Uncertain significance. Review status: criteria provided, multiple submitters, no conflicts (2 of 4 stars). 6 submissions from 6 submitters: Uncertain significance (5). 1 of the submissions does not count toward it. Last evaluated 2025-09-26.

Conditions:
Hereditary cancer-predisposing syndrome. Also called: Tumor predisposition; Hereditary Cancer Syndrome; Hereditary neoplastic syndrome; Neoplastic Syndromes, Hereditary. Identifiers: Orphanet 140162, MedGen C0027672, MeSH D009386, MONDO:0015356.
Ataxia-telangiectasia syndrome (AT). Also called: Ataxia telangiectasia (A-T); LOUIS-BAR SYNDROME; Cerebello-oculocutaneous telangiectasia; Immunodeficiency with ataxia telangiectasia; ATAXIA-TELANGIECTASIA, COMPLEMENTATION GROUP A; ATAXIA-TELANGIECTASIA, FRESNO VARIANT. Identifiers: Orphanet 100, MedGen C0004135, MONDO:0008840, OMIM 208900.

Allele frequency attached by ClinVar (database versions not stated): gnomAD 0.00001; TOPMed 0.00001; gnomAD exomes 0.00002.
gnomAD v4.1: 23 of 1,614,040 alleles (0.0014%); highest among the groups gnomAD compares: Non-Finnish European, 0.0019%; no homozygotes.

Submissions (6):

Ambry Genetics
Classification: Uncertain significance for Hereditary cancer-predisposing syndrome. Last evaluated: 2025-09-26. Review status: criteria provided, single submitter. Criteria: Ambry Variant Classification Scheme 2023. Collection method: clinical testing. Allele origin: germline.
Comment: The p.S496N variant (also known as c.1487G>A), located in coding exon 9 of the ATM gene, results from a G to A substitution at nucleotide position 1487. The serine at codon 496 is replaced by asparagine, an amino acid with highly similar properties. This amino acid position is highly conserved in available vertebrate species. In addition, this alteration is predicted to be tolerated by in silico analysis. Since supporting evidence is limited at this time, the clinical significance of this alteration remains unclear.

Molecular Diagnostics Laboratory, Catalan Institute of Oncology
Classification: Uncertain significance for Hereditary cancer-predisposing syndrome. Last evaluated: 2025-01-09. Review status: criteria provided, single submitter. Criteria: ClinGen ACMG Specifications ATM V1.1.0. Collection method: clinical testing. Allele origin: germline.
Comment: PM2_Supporting, BP4 c.1487G>A, located in exon 10 of the ATM gene, is predicted to result in the substitution of serine by asparagine at codon 496, p.(Ser496Asn). It is not present in the population database gnomAD v2.1.1, non-cancer dataset (PM2_supporting). The SpliceAI algorithm predicts no significant impact on splicing. The REVEL meta-predictor score for this variant (0.083) suggests that it does not affect the protein function (BP4). To our knowledge, neither relevant clinical data nor well-established functional studies have been reported for this variant. This variant has been reported 5 times in ClinVar as of uncertain significance, and has not been reported in the LOVD. Based on currently available information, the variant c.1487G>A should be considered an uncertain significance variant according to ACMG Classification Rules Specified for ATM v1.1.

Labcorp Genetics (formerly Invitae), Labcorp
Classification: Uncertain significance for Ataxia-telangiectasia syndrome. Last evaluated: 2024-07-16. Review status: criteria provided, single submitter. Criteria: Invitae Variant Classification Sherloc (09022015). Collection method: clinical testing. Allele origin: germline.
Comment: This sequence change replaces serine, which is neutral and polar, with asparagine, which is neutral and polar, at codon 496 of the ATM protein (p.Ser496Asn). This variant is not present in population databases (gnomAD no frequency). This variant has not been reported in the literature in individuals affected with ATM-related conditions. ClinVar contains an entry for this variant (Variation ID: 234029). An algorithm developed to predict the effect of missense changes on protein structure and function outputs the following: PolyPhen-2: "Benign". The asparagine amino acid residue is found in multiple mammalian species, which suggests that this missense change does not adversely affect protein function. In summary, the available evidence is currently insufficient to determine the role of this variant in disease. Therefore, it has been classified as a Variant of Uncertain Significance.

Sema4
Classification: Uncertain significance for Hereditary cancer-predisposing syndrome. Last evaluated: 2021-08-23. Review status: criteria provided, single submitter. Criteria: Sema4 Curation Guidelines. Collection method: curation. Allele origin: germline.
Comment: The ATM c.1487G>A (p.S496N) variant has not been reported in the literature to our knowledge. This variant is not reported in the population database Genome Aggregation Database (PMID: 32461654). The variant has been reported in ClinVar (Variation ID 234029). In silico tools suggest the impact of the variant on protein function is benign, though these predictions have not been confirmed by functional studies. The evidence is insufficient to meet ACMG/AMP criteria for classifying the variant as benign or pathogenic. Thus, the clinical significance of this variant is currently uncertain.

Color Diagnostics, LLC DBA Color Health
Classification: Uncertain significance for Hereditary cancer-predisposing syndrome. Last evaluated: 2021-07-19. Review status: criteria provided, single submitter. Criteria: ACMG Guidelines, 2015. Collection method: clinical testing. Allele origin: germline.
Comment: This missense variant replaces serine with asparagine at codon 496 of the ATM protein. Computational prediction suggests that this variant may not impact protein structure and function (internally defined REVEL score threshold <= 0.5, PMID: 27666373). To our knowledge, functional studies have not been reported for this variant. This variant has not been reported in individuals affected with hereditary cancer in the literature. This variant has not been identified in the general population by the Genome Aggregation Database (gnomAD). The available evidence is insufficient to determine the role of this variant in disease conclusively. Therefore, this variant is classified as a Variant of Uncertain Significance.

Department of Pathology and Laboratory Medicine, Sinai Health System
Classification: Uncertain significance. Review status: no assertion criteria provided. Collection method: clinical testing. Allele origin: unknown. Affected: yes. Study: The Canadian Open Genetics Repository (COGR). Not counted in ClinVar's aggregate classification.
Comment: The ATM p.Ser496Asn variant was not identified in the literature nor was it identified in the Cosmic, MutDB, LOVD 3.0, and ATM-LOVD databases. The variant was identified in dbSNP (ID: rs778890679) as â€šÃ„ÃºWith Uncertain Significance alleleâ€šÃ„Ã¹. In ClinVar, the variant was classified as a variant uncertain significance by Ambry Genetics and Invitae for Ataxia-telangiectasia syndrome and Hereditary cancer-predisposing syndrome. The variant was not identified in the following control databases: the 1000 Genomes Project, the NHLBI GO Exome Sequencing Project, the Exome Aggregation Consortium (August 8th 2016), or the Genome Aggregation Database (Feb 27, 2017). The p.Ser496 residue is conserved in mammals but not in more distantly related organisms, and four out of five computational analyses (PolyPhen-2, SIFT, AlignGVGD, and BLOSUM) do not suggest a high likelihood of impact to the protein; however, this information is not predictive enough to rule out pathogenicity. In summary, based on the above information the clinical significance of this variant cannot be determined with certainty at this time. This variant is classified as a variant of uncertain significance.